The following is an entry in ClinVar:

NM_016333.4(SRRM2):c.1125C>T (p.Gly375=)

Gene: SRRM2 (serine/arginine repetitive matrix 2; plus strand). Cytogenetic location: 16p13.3.
Variant type: single nucleotide variant.
Coding change: c.1125C>T on transcript NM_016333.4 (MANE Select); coding-DNA position 1125, C replaced by T.
Protein change: p.Gly375=; no amino-acid change (glycine 375 retained).
Molecular consequence: synonymous variant.
Genome position (GRCh38, 1-based): chr16:2,761,653, C>T. VCF-style: chr16-2761653-C-T. GRCh37 (hg19) VCF-style: chr16-2811654-C-T.
Identifiers: ClinVar variation 2498643 (VCV002498643.29), dbSNP rs759323590, ClinGen allele CA7847165.

ClinVar aggregate classification (germline): Likely benign. Review status: criteria provided, multiple submitters, no conflicts (2 of 4 stars). 2 submissions from 2 submitters: Likely benign (2). Last evaluated 2023-10-18.

Allele frequency attached by ClinVar (database versions not stated): gnomAD 0.00001; TOPMed 0.00002; ExAC 0.00005.
gnomAD v4.1: 13 of 1,586,102 alleles (0.00082%); highest among the groups gnomAD compares: East Asian, 0.016%; no homozygotes.

Submissions (2):

Blueprint Genetics
Classification: Likely benign. Last evaluated: 2023-10-18. Review status: criteria provided, single submitter. Criteria: ACMG Guidelines, 2015. Collection method: clinical testing. Allele origin: germline.

CeGaT Center for Human Genetics Tuebingen
Classification: Likely benign. Last evaluated: 2023-03-01. Review status: criteria provided, single submitter. Criteria: CeGaT Center For Human Genetics Tuebingen Variant Classification Criteria Version 2. Collection method: clinical testing. Allele origin: germline. Affected: yes. Observed: 1 variant allele.
Comment: SRRM2: BP4, BP7